The following is an entry in ClinVar:

ClinVar aggregate classification (germline): Uncertain significance (1 of 4 stars; one submission).

Conditions:
Catecholaminergic polymorphic ventricular tachycardia (CVPT). Also called: Catecholamine-induced polymorphic ventricular tachycardia. Identifiers: Orphanet 3286, MedGen C5574922, MONDO:0017990.

Allele frequency attached by ClinVar (database versions not stated): gnomAD exomes below 0.00001.
gnomAD v4.1: 2 of 1,578,740 alleles (0.00013%); highest among the groups gnomAD compares: African/African-American, 0.0013%; no homozygotes.

Submission:

All of Us Research Program, National Institutes of Health
Classification: Uncertain significance for Catecholaminergic polymorphic ventricular tachycardia. Last evaluated: 2023-06-26. Review status: criteria provided, single submitter. Criteria: ACMG Guidelines, 2015. Collection method: clinical testing. Allele origin: germline. Inheritance: Autosomal dominant inheritance. Observed: 1 variant allele, 1 heterozygote.
Comment: This missense variant replaces methionine with isoleucine at codon 4502 of the RYR2 protein. Computational prediction is inconclusive regarding the impact of this variant on protein structure and function (internally defined REVEL score threshold 0.5 < inconclusive < 0.7, PMID: 27666373). To our knowledge, functional studies have not been reported for this variant. This variant has not been reported in individuals affected with RYR2-related disorders in the literature. This variant has not been identified in the general population by the Genome Aggregation Database (gnomAD). The available evidence is insufficient to determine the role of this variant in disease conclusively. Therefore, this variant is classified as a Variant of Uncertain Significance.

This study involves interpretation of variants in research participants for the purpose of population health screening. Participant phenotype was not available at the time of variant classification. Additional details can be found in publication PMID: 35346344, PMCID: PMC8962531

NM_001035.3(RYR2):c.13506G>C (p.Met4502Ile)

Gene: RYR2 (ryanodine receptor 2; plus strand). Cytogenetic location: 1q43.
Variant type: single nucleotide variant.
Coding change: c.13506G>C on transcript NM_001035.3 (MANE Select); coding-DNA position 13506, G replaced by C.
Protein change: p.Met4502Ile; replaces methionine 4502 with isoleucine.
Molecular consequence: missense variant.
Genome position (GRCh38, 1-based): chr1:237,791,458, G>C. VCF-style: chr1-237791458-G-C. GRCh37 (hg19) VCF-style: chr1-237954758-G-C.
Other names: short protein forms M4502I.
Identifiers: ClinVar variation 3071799 (VCV003071799.1), dbSNP rs2527908196, ClinGen allele CA345417093.